The following is an entry in ClinVar:

NM_024426.6(WT1):c.1342A>G (p.Arg448Gly)

Gene: WT1 (WT1 transcription factor; minus strand). Cytogenetic location: 11p13.
Variant type: single nucleotide variant.
Coding change: c.1342A>G on transcript NM_024426.6 (MANE Select); coding-DNA position 1342, A replaced by G.
Protein change: p.Arg448Gly; replaces arginine 448 with glycine.
Molecular consequence: missense variant. On other transcripts: non-coding transcript variant (2), intron variant (1).
Genome position (GRCh38, 1-based): chr11:32,392,678, T>C on the plus strand (A>G on the coding strand, the complement: WT1 is on the minus strand). VCF-style: chr11-32392678-T-C. GRCh37 (hg19) VCF-style: chr11-32414224-T-C.
Other names: c.1291A>G, p.Arg431Gly (NM_000378.6, NM_001407045.1, NM_001407049.1); c.691A>G, p.Arg231Gly (NM_001198551.2); c.640A>G, p.Arg214Gly (NM_001198552.2); c.154A>G, p.Arg52Gly (NM_001367854.1); c.1336A>G, p.Arg446Gly (NM_001407044.1); c.1342A>G, p.Arg448Gly (NM_001407046.1, NM_024424.5); c.1219A>G, p.Arg407Gly (NM_001407047.1); c.1168A>G, p.Arg390Gly (NM_001407050.1); and 4 more; short protein forms R407G, R446G, R448G, R52G, R214G, R231G, R375G, R431G.
Identifiers: ClinVar variation 4783461 (VCV004783461.1).

ClinVar aggregate classification (germline): Uncertain significance (1 of 4 stars; one submission).

Conditions:
Wilms tumor 1 (WT1). Also called: Wilms tumor, somatic. Identifiers: Orphanet 654, MedGen CN033288, MONDO:0008679, OMIM 194070.
11p partial monosomy syndrome (WAGR). Also called: CHROMOSOME 11p13 DELETION SYNDROME; WAGR Spectrum Disorder; WAGR syndrome; WAGR Complex. Identifiers: Orphanet 893, MedGen C0206115, MONDO:0008681, OMIM 194072.
Drash syndrome (DDS). Also called: NEPHROPATHY, WILMS TUMOR, AND GENITAL ANOMALIES; WILMS TUMOR AND PSEUDO- OR TRUE HERMAPHRODITISM. Identifiers: Orphanet 220, MedGen C0950121, MONDO:0008682, OMIM 194080.
Frasier syndrome. Identifiers: Orphanet 347, MedGen C0950122, MeSH D052159, MONDO:0007635, OMIM 136680.

Submission:

Labcorp Genetics (formerly Invitae), Labcorp
Classification: Uncertain significance for Wilms tumor 1; Drash syndrome; 11p partial monosomy syndrome; Frasier syndrome. Last evaluated: 2025-11-01. Review status: criteria provided, single submitter. Criteria: Invitae Variant Classification Sherloc (09022015). Collection method: clinical testing. Allele origin: germline.
Comment: This sequence change replaces arginine, which is basic and polar, with glycine, which is neutral and non-polar, at codon 443 of the WT1 protein (p.Arg443Gly). This variant is not present in population databases (gnomAD no frequency). This variant has not been reported in the literature in individuals affected with WT1-related conditions. Invitae Evidence Modeling of protein sequence and biophysical properties (such as structural, functional, and spatial information, amino acid conservation, physicochemical variation, residue mobility, and thermodynamic stability) indicates that this missense variant is expected to disrupt WT1 protein function with a positive predictive value of 95%. In summary, the available evidence is currently insufficient to determine the role of this variant in disease. Therefore, it has been classified as a Variant of Uncertain Significance.